The following is an entry in ClinVar:

ClinVar aggregate classification (germline): Uncertain significance (1 of 4 stars; one submission).

Conditions:
Mitochondrial DNA depletion syndrome 13. Also called: FBXL4-Related Encephalomyopathic Mitochondrial DNA Depletion Syndrome; Mitochondrial DNA depletion syndrome 13 (encephalomyopathic type). Identifiers: Orphanet 369897, MedGen C3809592, MONDO:0014198, OMIM 615471.

Allele frequency attached by ClinVar (database versions not stated): gnomAD exomes below 0.00001 and 0.00001; ExAC 0.00001; TOPMed 0.00002; gnomAD 0.00003; ESP Exome Variant Server 0.00008.
gnomAD v4.1: 19 of 1,613,988 alleles (0.0012%); highest among the groups gnomAD compares: Non-Finnish European, 0.0015%; no homozygotes.

Submission:

Wong Mito Lab, Molecular and Human Genetics, Baylor College of Medicine
Classification: Uncertain significance for Mitochondrial DNA depletion syndrome 13. Last evaluated: 2017-08-10. Review status: criteria provided, single submitter. Criteria: ACMG Guidelines, 2015. Collection method: reference population. Allele origin: germline.
Comment: The NM_012160.4:c.731A>G (NP_036292.2:p.Asn244Ser) [GRCH38: NC_000006.12:g.98917501T>C] variant in FBXL4 gene is interpretated to be a Uncertain Significance - Conflicting Evidence based on ACMG guidelines (PMID: 25741868). This variant meets one or more of the following evidence codes reported in the ACMG-guideline. PM2:This variant is absent in key population databases. BP4:Computational evidence/predictors indicate no impact on the FBXL4 structure, function, or protein-protein interaction. Based on this evidence code ClinGen Pathogenicity Calculator (PMID:28081714) suggested that the variant is Uncertain Significance - Conflicting Evidence.

NM_001278716.2(FBXL4):c.731A>G (p.Asn244Ser)

Gene: FBXL4 (F-box and leucine rich repeat protein 4; minus strand). Cytogenetic location: 6q16.2.
Variant type: single nucleotide variant.
Coding change: c.731A>G on transcript NM_001278716.2 (MANE Select); coding-DNA position 731, A replaced by G.
Protein change: p.Asn244Ser; replaces asparagine 244 with serine.
Molecular consequence: missense variant.
Genome position (GRCh38, 1-based): chr6:98,917,501, T>C on the plus strand (A>G on the coding strand, the complement: FBXL4 is on the minus strand). VCF-style: chr6-98917501-T-C. GRCh37 (hg19) VCF-style: chr6-99365377-T-C.
Other names: c.731A>G, p.Asn244Ser (NM_012160.5); short protein forms N244S.
Identifiers: ClinVar variation 437623 (VCV000437623.1), dbSNP rs141193306, ClinGen allele CA3933629.
Genomic context (GRCh38, chr6:98,917,501, plus strand): 5'-TTGTTAAGACTGTCCATTCCACAACCATCCTTTTCTGCATAGGCATCATCTTCTATATCA[T>C]TCATGTCAATAAGTGAAGTCTTGAGAGAAAGCACTGGCTTGTCCTTCACACCATGTAGCA-3'
Protein context (NP_001265645.1, residues 234-254): LSLKTSLIDM[Asn244Ser]DIEDDAYAEK